The following is an entry in ClinVar:

NM_025137.4(SPG11):c.84G>T (p.Met28Ile)

Gene: SPG11 (SPG11 vesicle trafficking associated, spatacsin; minus strand). Cytogenetic location: 15q21.1.
Variant type: single nucleotide variant.
Coding change: c.84G>T on transcript NM_025137.4 (MANE Select); coding-DNA position 84, G replaced by T.
Protein change: p.Met28Ile; replaces methionine 28 with isoleucine.
Molecular consequence: missense variant.
Genome position (GRCh38, 1-based): chr15:44,663,564, C>A on the plus strand (G>T on the coding strand, the complement: SPG11 is on the minus strand). VCF-style: chr15-44663564-C-A. GRCh37 (hg19) VCF-style: chr15-44955762-C-A.
Other names: c.84G>T, p.Met28Ile (NM_001160227.2); short protein forms M28I.
Identifiers: ClinVar variation 534832 (VCV000534832.23), dbSNP rs201316593, ClinGen allele CA7535951.
Genomic context (GRCh38, chr15:44,663,564, plus strand): 5'-GCGCAGCTGCGCCCGGGAGCCGAGCTGCCCCATCGCCTCGGCGGGGACTGGCACCAACAG[C>A]ATCGGTAGAACCCGCCCCATGGCCGCGGTGCCCCAGCTACCGCCGGCGGAAGCAGCACTC-3'
Protein context (NP_079413.3, residues 18-38): GTAAMGRVLP[Met28Ile]LLVPVPAEAM

ClinVar aggregate classification (germline): Uncertain significance. Review status: criteria provided, multiple submitters, no conflicts (2 of 4 stars). 3 submissions from 3 submitters: Uncertain significance (3). Last evaluated 2026-09-17.

Conditions:
SPG11-related disorder. Also called: SPG11-related condition.
Hereditary spastic paraplegia 11. Also called: SPASTIC PARAPLEGIA, AUTOSOMAL RECESSIVE, COMPLICATED, WITH THIN CORPUS CALLOSUM; SPASTIC PARAPLEGIA, AUTOSOMAL RECESSIVE, WITH MENTAL IMPAIRMENT AND THIN CORPUS CALLOSUM; Spastic Paraplegia 11; Nakamura Osame syndrome; Autosomal recessive hereditary spastic paraplegia, mental impairment, and thin corpus callosum; Spastic paraplegia, mental retardation and thin corpus callosum. Identifiers: Orphanet 2822, MedGen C1858479, MONDO:0011445, OMIM 604360.

Allele frequency attached by ClinVar (database versions not stated): gnomAD 0.00001; ExAC 0.00002; gnomAD exomes 0.00002 and 0.00003; TOPMed 0.00004; ESP Exome Variant Server 0.00008.
gnomAD v4.1: 36 of 1,597,244 alleles (0.0023%); highest among the groups gnomAD compares: Non-Finnish European, 0.0029%; no homozygotes.

Submissions (3):

PreventionGenetics, part of Exact Sciences
Classification: Uncertain significance for SPG11-related condition. Last evaluated: 2026-09-17. Review status: criteria provided, single submitter. Criteria: ACMG Guidelines, 2015. Collection method: clinical testing. Allele origin: germline.
Comment: The SPG11 c.84G>T variant is predicted to result in the amino acid substitution p.Met28Ile. To our knowledge, this variant has not been reported in the literature. This variant is reported in 0.0066% of alleles in individuals of European (non-Finnish) descent in gnomAD. At this time, the clinical significance of this variant is uncertain due to the absence of conclusive functional and genetic evidence.

Labcorp Genetics (formerly Invitae), Labcorp
Classification: Uncertain significance for Hereditary spastic paraplegia 11. Last evaluated: 2025-10-01. Review status: criteria provided, single submitter. Criteria: Invitae Variant Classification Sherloc (09022015). Collection method: clinical testing. Allele origin: germline.
Comment: This sequence change replaces methionine, which is neutral and non-polar, with isoleucine, which is neutral and non-polar, at codon 28 of the SPG11 protein (p.Met28Ile). This variant is present in population databases (rs201316593, gnomAD 0.007%). This variant has not been reported in the literature in individuals affected with SPG11-related conditions. ClinVar contains an entry for this variant (Variation ID: 534832). An algorithm developed to predict the effect of missense changes on protein structure and function outputs the following: PolyPhen-2: "Benign". The isoleucine amino acid residue is found in multiple mammalian species, which suggests that this missense change does not adversely affect protein function. In summary, the available evidence is currently insufficient to determine the role of this variant in disease. Therefore, it has been classified as a Variant of Uncertain Significance.

CeGaT Center for Human Genetics Tuebingen
Classification: Uncertain significance. Last evaluated: 2024-12-01. Review status: criteria provided, single submitter. Criteria: CeGaT Center For Human Genetics Tuebingen Variant Classification Criteria Version 2. Collection method: clinical testing. Allele origin: germline. Affected: yes. Observed: 1 variant allele.
Comment: SPG11: PM2